The following is an entry in ClinVar:

ClinVar aggregate classification (germline): Uncertain significance (1 of 4 stars; one submission).

Conditions:
Vici syndrome (VICIS). Identifiers: Orphanet 1493, MedGen C1855772, MONDO:0009452, OMIM 242840.

gnomAD v4.1: 4 of 1,614,218 alleles (0.00025%); highest among the groups gnomAD compares: Admixed American, 0.0067%; no homozygotes.

Submission:

Labcorp Genetics (formerly Invitae), Labcorp
Classification: Uncertain significance for Vici syndrome. Last evaluated: 2022-03-15. Review status: criteria provided, single submitter. Criteria: Invitae Variant Classification Sherloc (09022015). Collection method: clinical testing. Allele origin: germline.
Comment: This sequence change replaces serine, which is neutral and polar, with asparagine, which is neutral and polar, at codon 2268 of the EPG5 protein (p.Ser2268Asn). This variant is present in population databases (no rsID available, gnomAD 0.01%). This variant has not been reported in the literature in individuals affected with EPG5-related conditions. Algorithms developed to predict the effect of missense changes on protein structure and function are either unavailable or do not agree on the potential impact of this missense change (SIFT: "Tolerated"; PolyPhen-2: "Probably Damaging"; Align-GVGD: "Class C0"). In summary, the available evidence is currently insufficient to determine the role of this variant in disease. Therefore, it has been classified as a Variant of Uncertain Significance.

NM_020964.3(EPG5):c.6803G>A (p.Ser2268Asn)

Gene: EPG5 (ectopic P-granules 5 autophagy tethering factor; minus strand). Cytogenetic location: 18q12.3.
Variant type: single nucleotide variant.
Coding change: c.6803G>A on transcript NM_020964.3 (MANE Select); coding-DNA position 6803, G replaced by A.
Protein change: p.Ser2268Asn; replaces serine 2268 with asparagine.
Molecular consequence: missense variant.
Genome position (GRCh38, 1-based): chr18:45,860,310, C>T on the plus strand (G>A on the coding strand, the complement: EPG5 is on the minus strand). VCF-style: chr18-45860310-C-T. GRCh37 (hg19) VCF-style: chr18-43440275-C-T.
Other names: c.6803G>A, p.Ser2268Asn (NM_001410858.1); c.6800G>A, p.Ser2267Asn (NM_001410859.1); short protein forms S2267N, S2268N.
Identifiers: ClinVar variation 2194317 (VCV002194317.1), dbSNP rs1265568552, ClinGen allele CA402337780.